The following is an entry in ClinVar:

NM_003500.4(ACOX2):c.263G>A (p.Arg88Gln)

Gene: ACOX2 (acyl-CoA oxidase 2; minus strand). Cytogenetic location: 3p14.3.
Variant type: single nucleotide variant.
Coding change: c.263G>A on transcript NM_003500.4 (MANE Select); coding-DNA position 263, G replaced by A.
Protein change: p.Arg88Gln; replaces arginine 88 with glutamine.
Molecular consequence: missense variant.
Genome position (GRCh38, 1-based): chr3:58,534,420, C>T on the plus strand (G>A on the coding strand, the complement: ACOX2 is on the minus strand). VCF-style: chr3-58534420-C-T. GRCh37 (hg19) VCF-style: chr3-58520147-C-T.
Other names: c.263G>A (NM_003500.3); short protein forms R88Q.
Identifiers: ClinVar variation 3625532 (VCV003625532.3).

ClinVar aggregate classification (germline): Uncertain significance. Review status: criteria provided, multiple submitters, no conflicts (2 of 4 stars). 2 submissions from 2 submitters: Uncertain significance (2). Last evaluated 2025-03-19.

Conditions:
ACOX2-related disorder. Also called: ACOX2-related condition.

Submissions (2):

PreventionGenetics, part of Exact Sciences
Classification: Uncertain significance for ACOX2-related condition. Last evaluated: 2025-03-19. Review status: criteria provided, single submitter. Criteria: ACMG Guidelines, 2015. Collection method: clinical testing. Allele origin: germline.
Comment: The ACOX2 c.263G>A variant is predicted to result in the amino acid substitution p.Arg88Gln. To our knowledge, this variant has not been reported in the literature. This variant is reported in 0.028% of alleles in individuals of European (Finnish) descent in gnomAD. At this time, the clinical significance of this variant is uncertain due to the absence of conclusive functional and genetic evidence.

Labcorp Genetics (formerly Invitae), Labcorp
Classification: Uncertain significance. Last evaluated: 2024-07-17. Review status: criteria provided, single submitter. Criteria: Invitae Variant Classification Sherloc (09022015). Collection method: clinical testing. Allele origin: germline.
Comment: This sequence change replaces arginine, which is basic and polar, with glutamine, which is neutral and polar, at codon 88 of the ACOX2 protein (p.Arg88Gln). This variant is present in population databases (rs367555146, gnomAD 0.03%). This variant has not been reported in the literature in individuals affected with ACOX2-related conditions. Advanced modeling of protein sequence and biophysical properties (such as structural, functional, and spatial information, amino acid conservation, physicochemical variation, residue mobility, and thermodynamic stability) performed at Invitae indicates that this missense variant is not expected to disrupt ACOX2 protein function with a negative predictive value of 80%. In summary, the available evidence is currently insufficient to determine the role of this variant in disease. Therefore, it has been classified as a Variant of Uncertain Significance.